The following is an entry in ClinVar:

NM_021975.4(RELA):c.985C>G (p.Arg329Gly)

Gene: RELA (RELA proto-oncogene, NF-kB subunit; minus strand). Cytogenetic location: 11q13.1.
Variant type: single nucleotide variant.
Coding change: c.985C>G on transcript NM_021975.4 (MANE Select); coding-DNA position 985, C replaced by G.
Protein change: p.Arg329Gly; replaces arginine 329 with glycine.
Molecular consequence: missense variant.
Genome position (GRCh38, 1-based): chr11:65,655,736, G>C on the plus strand (C>G on the coding strand, the complement: RELA is on the minus strand). VCF-style: chr11-65655736-G-C. GRCh37 (hg19) VCF-style: chr11-65423207-G-C.
Other names: c.604C>G, p.Arg202Gly (NM_001404661.1); c.892C>G, p.Arg298Gly (NM_001404662.1, NM_001404663.1); c.985C>G, p.Arg329Gly (NM_001243984.2, NM_001243985.2); c.1018C>G, p.Arg340Gly (NM_001404657.1); c.958C>G, p.Arg320Gly (NM_001404658.1); c.772C>G, p.Arg258Gly (NM_001404659.1); c.667C>G, p.Arg223Gly (NM_001404660.1); c.976C>G, p.Arg326Gly (NM_001145138.2); short protein forms R202G, R223G, R258G, R298G, R320G, R326G, R329G, R340G.
Identifiers: ClinVar variation 3621106 (VCV003621106.2).
Genomic context (GRCh38, chr11:65,655,736, plus strand): 5'-GGAAATCCTTACCTGGCTTGGGGACAGAAGCTGAGCTGCGGGAAGGCACAGCAATGCGTC[G>C]AGGTGGAGGCCGGGGGTCGGTGGGTCCTGTAGGGCAAGGGCTAGGTCAGTTCTCAGCCCC-3'
Protein context (NP_068810.3, residues 319-339): SGPTDPRPPP[Arg329Gly]RIAVPSRSSA

ClinVar aggregate classification (germline): Uncertain significance (1 of 4 stars; one submission).

gnomAD v4.1: 4 of 1,614,098 alleles (0.00025%); highest among the groups gnomAD compares: Admixed American, 0.005%; no homozygotes.

Submission:

Labcorp Genetics (formerly Invitae), Labcorp
Classification: Uncertain significance. Last evaluated: 2024-09-29. Review status: criteria provided, single submitter. Criteria: Invitae Variant Classification Sherloc (09022015). Collection method: clinical testing. Allele origin: germline.
Comment: This sequence change replaces arginine, which is basic and polar, with glycine, which is neutral and non-polar, at codon 329 of the RELA protein (p.Arg329Gly). This variant is present in population databases (no rsID available, gnomAD no frequency). This variant has not been reported in the literature in individuals affected with RELA-related conditions. An algorithm developed to predict the effect of missense changes on protein structure and function (PolyPhen-2) suggests that this variant is likely to be disruptive. In summary, the available evidence is currently insufficient to determine the role of this variant in disease. Therefore, it has been classified as a Variant of Uncertain Significance.